The following is an entry in ClinVar:

ClinVar aggregate classification (germline): Benign/Likely benign. Review status: criteria provided, multiple submitters, no conflicts (2 of 4 stars). 5 submissions from 5 submitters: Benign (2); Likely benign (1). 2 of the submissions do not count toward it. Last evaluated 2025-02-16.

Submissions (5):

Laboratory of Genetics, Children's Clinical University Hospital Latvia
Classification: Benign. Last evaluated: 2025-02-16. Review status: criteria provided, single submitter. Criteria: ACMG Guidelines, 2015. Collection method: clinical testing. Allele origin: germline. Affected: yes.

Blueprint Genetics
Classification: Likely benign. Last evaluated: 2024-11-25. Review status: criteria provided, single submitter. Criteria: ACMG Guidelines, 2015. Collection method: clinical testing. Allele origin: germline.

Institute for Genomic Medicine (IGM) Clinical Laboratory, Nationwide Children's Hospital
Classification: Benign. Last evaluated: 2017-03-20. Review status: criteria provided, single submitter. Criteria: ACMG Guidelines, 2015. Collection method: clinical testing. Allele origin: germline.
Comment: Normal variation in repetative sequence

Clinical Genetics DNA and cytogenetics Diagnostics Lab, Erasmus MC, Erasmus Medical Center
Classification: Benign. Review status: no assertion criteria provided. Collection method: clinical testing. Allele origin: germline. Affected: yes. Study: VKGL Data-share Consensus. Not counted in ClinVar's aggregate classification.

Diagnostic Laboratory, Department of Genetics, University Medical Center Groningen
Classification: Benign. Review status: no assertion criteria provided. Collection method: clinical testing. Allele origin: germline. Affected: yes. Study: VKGL Data-share Consensus. Not counted in ClinVar's aggregate classification.

NM_003194.5(TBP):c.225GCA[18] (p.Gln95del)

Genes: TBP (TATA-box binding protein; plus strand), LOC108663996 (TATA-box binding protein repeat instability region; plus strand). Cytogenetic location: 6q27.
Variant type: Microsatellite.
Coding change: c.225GCA[18] on transcript NM_003194.5 (MANE Select); 18 copies in a row of the 3-base unit GCA starting at c.225; the reference has 19 copies in a row; one copy, 3 bases deleted.
Protein change: p.Gln95del; deletes glutamine 95.
Molecular consequence: inframe deletion.
Genome position (GRCh38, 1-based): chr6:170,562,015-170,562,017, GCA deleted; deleting any 3 consecutive bases within chr6:170,561,959-170,562,017 gives the same sequence; the position shown is the placement nearest the transcript's 3' end. VCF-style (leftmost placement, unchanged base first): chr6-170561958-ACAG-A. GRCh37 (hg19) VCF-style: chr6-170871046-ACAG-A.
Other names: c.165GCA[18], p.Gln75del (NM_001172085.2); short protein forms Q95del, Q75del.
Identifiers: ClinVar variation 599435 (VCV000599435.11), dbSNP rs752404282, ClinGen allele CA4108303.